The following is an entry in ClinVar:

ClinVar aggregate classification (germline): Likely pathogenic (1 of 4 stars; one submission).

Conditions:
Familial thoracic aortic aneurysm and aortic dissection (TAAD). Also called: Thoracic aortic aneurysms and dissections. Identifiers: Orphanet 91387, MedGen C4707243, MONDO:0019625.
Marfan syndrome (MFS). Also called: FBN1-Related Marfan Syndrome; Marfan syndrome type 1; Marfan's syndrome; Marfan syndrome, classic; MARFAN SYNDROME, TYPE I. Identifiers: Orphanet 284963, Orphanet 558, MedGen C0024796, MONDO:0007947, OMIM 154700.

Submission:

Labcorp Genetics (formerly Invitae), Labcorp
Classification: Likely pathogenic for Marfan syndrome; Familial thoracic aortic aneurysm and aortic dissection. Last evaluated: 2018-04-08. Review status: criteria provided, single submitter. Criteria: Invitae Variant Classification Sherloc (09022015). Collection method: clinical testing. Allele origin: germline.
Comment: In summary, the currently available evidence indicates that the variant is pathogenic, but additional data are needed to prove that conclusively. Therefore, this variant has been classified as Likely Pathogenic. This variant affects a cysteine residue located within an epidermal-growth-factor (EGF)–like domain of the FBN1 protein. Cysteine residues in these domains have been shown to be involved in the formation of disulfide bridges, which are critical for FBN1 protein structure and stability (PMID: 10486319, 3495735, 4750422, 16677079). In addition, missense substitutions within the FBN1 EGF-like domains affecting cysteine residues are significantly overrepresented among individuals with Marfan syndrome (PMID: 16571647, 17701892). This variant has not been reported in the literature in individuals with FBN1-related disease. This variant is not present in population databases (ExAC no frequency). This sequence change replaces cysteine with tyrosine at codon 1942 of the FBN1 protein (p.Cys1942Tyr). The cysteine residue is highly conserved and there is a large physicochemical difference between cysteine and tyrosine.

Literature cited by the submitters: PubMed 10486319; PubMed 3495735; PubMed 4750422; PubMed 16677079; PubMed 16571647; PubMed 17701892.

NM_000138.5(FBN1):c.5825G>A (p.Cys1942Tyr)

Gene: FBN1 (fibrillin 1; minus strand). Cytogenetic location: 15q21.1.
Variant type: single nucleotide variant.
Coding change: c.5825G>A on transcript NM_000138.5 (MANE Select); coding-DNA position 5825, G replaced by A.
Protein change: p.Cys1942Tyr; replaces cysteine 1942 with tyrosine.
Molecular consequence: missense variant.
Genome position (GRCh38, 1-based): chr15:48,445,468, C>T on the plus strand (G>A on the coding strand, the complement: FBN1 is on the minus strand). VCF-style: chr15-48445468-C-T. GRCh37 (hg19) VCF-style: chr15-48737665-C-T.
Other names: short protein forms C1942Y.
Identifiers: ClinVar variation 567503 (VCV000567503.8), dbSNP rs794728241, ClinGen allele CA392340124.